The following is an entry in ClinVar:

ClinVar aggregate classification (germline): Likely benign (0 of 4 stars; one submission).

Conditions:
NCOR2-related disorder. Also called: NCOR2-related condition.

Allele frequency attached by ClinVar (database versions not stated): gnomAD exomes 0.00004; ExAC 0.00013; ESP Exome Variant Server 0.00016; gnomAD 0.00033; 1000 Genomes Project 30x 0.00062; 1000 Genomes Project 0.00080.
gnomAD v4.1: 108 of 1,612,330 alleles (0.0067%); highest among the groups gnomAD compares: African/African-American, 0.11%; no homozygotes.

Submission:

PreventionGenetics, part of Exact Sciences
Classification: Likely benign for NCOR2-related condition. Last evaluated: 2019-08-12. Review status: no assertion criteria provided. Collection method: clinical testing. Allele origin: germline.
Comment: This variant is classified as likely benign based on ACMG/AMP sequence variant interpretation guidelines (Richards et al. 2015 PMID: 25741868, with internal and published modifications).

NM_006312.6(NCOR2):c.6411+8C>T

Gene: NCOR2 (nuclear receptor corepressor 2; minus strand). Cytogenetic location: 12q24.31.
Variant type: single nucleotide variant.
Coding change: c.6411+8C>T on transcript NM_006312.6 (MANE Select); 8 bases into the intron after coding-DNA position 6411, C replaced by T.
Molecular consequence: intron variant.
Genome position (GRCh38, 1-based): chr12:124,335,127, G>A on the plus strand (C>T on the coding strand, the complement: NCOR2 is on the minus strand). VCF-style: chr12-124335127-G-A. GRCh37 (hg19) VCF-style: chr12-124819673-G-A.
Other names: c.6381+8C>T (NM_001077261.4, NM_001206654.2).
Identifiers: ClinVar variation 3034934 (VCV003034934.2), dbSNP rs376757891, ClinGen allele CA6867527.
Genomic context (GRCh38, chr12:124,335,127, plus strand): 5'-ATCCCCTCTCCAGGCCTGGTGCCCCCAGGTGCAAAGGTGACAAGCAGCAGCAGAGAACGC[G>A]TAGTTACACTGATGTGCTGGGCCAGGGTGACCACCCGCTGGTGACCTTTGACCCCTGGGG-3'